The following is an entry in ClinVar:

NM_001134407.3(GRIN2A):c.1310G>T (p.Arg437Leu)

Gene: GRIN2A (glutamate ionotropic receptor NMDA type subunit 2A; minus strand). Cytogenetic location: 16p13.2.
Variant type: single nucleotide variant.
Coding change: c.1310G>T on transcript NM_001134407.3 (MANE Select); coding-DNA position 1310, G replaced by T.
Protein change: p.Arg437Leu; replaces arginine 437 with leucine.
Molecular consequence: missense variant.
Genome position (GRCh38, 1-based): chr16:9,849,774, C>A on the plus strand (G>T on the coding strand, the complement: GRIN2A is on the minus strand). VCF-style: chr16-9849774-C-A. GRCh37 (hg19) VCF-style: chr16-9943631-C-A.
Other names: c.1310G>T, p.Arg437Leu (NM_001134408.2, NM_000833.5); c.1310G>T (NM_000833.4); short protein forms R437L.
Identifiers: ClinVar variation 2818010 (VCV002818010.5), dbSNP rs770071260, ClinGen allele CA394800950.

ClinVar aggregate classification (germline): Uncertain significance. Review status: criteria provided, single submitter (1 of 4 stars). 2 submissions from 2 submitters: Uncertain significance (1). 1 of the submissions does not count toward it. Last evaluated 2024-01-04.

Conditions:
Landau-Kleffner syndrome (FESD). Also called: EPILEPSY, FOCAL, WITH SPEECH DISORDER AND WITH OR WITHOUT MENTAL RETARDATION; APHASIA, ACQUIRED, WITH EPILEPSY. Identifiers: Orphanet 1945, Orphanet 725, Orphanet 98818, MedGen C0282512, MONDO:0009509, OMIM 245570.
GRIN2A-related complex neurodevelopmental disorder. Also called: GRIN2A-related disorder; GRIN2A-related condition. Identifiers: MedGen CN379781, MONDO:1060139.

Submissions (2):

Labcorp Genetics (formerly Invitae), Labcorp
Classification: Uncertain significance for Landau-Kleffner syndrome. Last evaluated: 2024-01-04. Review status: criteria provided, single submitter. Criteria: Invitae Variant Classification Sherloc (09022015). Collection method: clinical testing. Allele origin: germline.
Comment: This sequence change replaces arginine, which is basic and polar, with leucine, which is neutral and non-polar, at codon 437 of the GRIN2A protein (p.Arg437Leu). This variant is not present in population databases (gnomAD no frequency). This variant has not been reported in the literature in individuals affected with GRIN2A-related conditions. Advanced modeling of protein sequence and biophysical properties (such as structural, functional, and spatial information, amino acid conservation, physicochemical variation, residue mobility, and thermodynamic stability) has been performed at Invitae for this missense variant, however the output from this modeling did not meet the statistical confidence thresholds required to predict the impact of this variant on GRIN2A protein function. In summary, the available evidence is currently insufficient to determine the role of this variant in disease. Therefore, it has been classified as a Variant of Uncertain Significance.

PreventionGenetics, part of Exact Sciences
Classification: Uncertain significance for GRIN2A-related condition. Last evaluated: 2024-01-10. Review status: no assertion criteria provided. Collection method: clinical testing. Allele origin: germline. Not counted in ClinVar's aggregate classification.
Comment: The GRIN2A c.1310G>T variant is predicted to result in the amino acid substitution p.Arg437Leu. To our knowledge, this variant has not been reported in the literature or in a large population database, indicating this variant is rare. At this time, the clinical significance of this variant is uncertain due to the absence of conclusive functional and genetic evidence.